The following is an entry in ClinVar:

NM_006031.6(PCNT):c.8401G>C (p.Val2801Leu)

Gene: PCNT (pericentrin; plus strand). Cytogenetic location: 21q22.3.
Variant type: single nucleotide variant.
Coding change: c.8401G>C on transcript NM_006031.6 (MANE Select); coding-DNA position 8401, G replaced by C.
Protein change: p.Val2801Leu; replaces valine 2801 with leucine.
Molecular consequence: missense variant.
Genome position (GRCh38, 1-based): chr21:46,431,865, G>C. VCF-style: chr21-46431865-G-C. GRCh37 (hg19) VCF-style: chr21-47851779-G-C.
Other names: c.8047G>C, p.Val2683Leu (NM_001315529.2); short protein forms V2801L, V2683L.
Identifiers: ClinVar variation 167430 (VCV000167430.24), dbSNP rs138868039, ClinGen allele CA234506.

ClinVar aggregate classification (germline): Conflicting classifications of pathogenicity. Review status: criteria provided, conflicting classifications (1 of 4 stars). 5 submissions from 5 submitters: Uncertain significance (4); Likely benign (1). Last evaluated 2026-06-27.

Conditions:
PCNT-related disorder. Also called: PCNT-related condition.
Microcephalic osteodysplastic primordial dwarfism type II (MOPD2). Also called: Microcephalic osteodysplastic primordial dwarfism with tooth abnormalities; MOPD II; OSTEODYSPLASTIC PRIMORDIAL DWARFISM, TYPE II. Identifiers: Orphanet 2637, MedGen C0432246, MONDO:0008872, OMIM 210720.

Allele frequency attached by ClinVar (database versions not stated): gnomAD exomes 0.00055 and 0.00022; TOPMed 0.00025; ESP Exome Variant Server 0.00038; ExAC 0.00013; gnomAD 0.00016.
gnomAD v4.1: 823 of 1,613,864 alleles (0.051%); highest among the groups gnomAD compares: Non-Finnish European, 0.066%; no homozygotes.

Submissions (5):

PreventionGenetics, part of Exact Sciences
Classification: Uncertain significance for PCNT-related condition. Last evaluated: 2026-06-27. Review status: criteria provided, single submitter. Criteria: ACMG Guidelines, 2015. Collection method: clinical testing. Allele origin: germline.
Comment: The PCNT c.8401G>C variant is predicted to result in the amino acid substitution p.Val2801Leu. To our knowledge, this variant has not been reported in the literature. This variant is reported in 0.037% of alleles in individuals of European (Non-Finnish) descent in gnomAD. At this time, the clinical significance of this variant is uncertain due to the absence of conclusive functional and genetic evidence.

ARUP Laboratories, Molecular Genetics and Genomics, ARUP Laboratories
Classification: Likely benign for Microcephalic osteodysplastic primordial dwarfism type II. Last evaluated: 2023-09-28. Review status: criteria provided, single submitter. Criteria: ARUP Molecular Germline Variant Investigation Process 2024. Collection method: clinical testing. Allele origin: germline.

Illumina Laboratory Services, Illumina
Classification: Uncertain significance for Microcephalic osteodysplastic primordial dwarfism type II. Last evaluated: 2018-01-13. Review status: criteria provided, single submitter. Criteria: ICSL Variant Classification Criteria 13 December 2019. Collection method: clinical testing. Allele origin: germline.

Genetic Services Laboratory, University of Chicago
Classification: Uncertain significance. Last evaluated: 2017-03-20. Review status: criteria provided, single submitter. Criteria: ACMG Guidelines, 2015. Collection method: clinical testing. Allele origin: germline. Affected: no.

Eurofins Ntd Llc (ga)
Classification: Uncertain significance. Last evaluated: 2016-04-15. Review status: criteria provided, single submitter. Criteria: EGL Classification Definitions 2015. Collection method: clinical testing. Allele origin: germline. Observed: 2 variant alleles, 2 heterozygotes.